The following is an entry in ClinVar:

NM_001953.5(TYMP):c.215-1G>C

Genes: TYMP (thymidine phosphorylase; minus strand), LOC130067864 (ATAC-STARR-seq lymphoblastoid active region 19325; plus strand). Cytogenetic location: 22q13.33.
Variant type: single nucleotide variant.
Coding change: c.215-1G>C on transcript NM_001953.5 (MANE Select); the canonical splice acceptor site of the intron before coding-DNA position 215, G replaced by C.
Molecular consequence: splice acceptor variant.
Genome position (GRCh38, 1-based): chr22:50,529,339, C>G on the plus strand (G>C on the coding strand, the complement: TYMP is on the minus strand). VCF-style: chr22-50529339-C-G. GRCh37 (hg19) VCF-style: chr22-50967768-C-G.
Other names: IVS1AS, G-C, -1; c.215-1G>C (NM_001953.4, NM_001257989.1, NM_001257988.1 and 2 more transcripts).
Identifiers: ClinVar variation 16662 (VCV000016662.19), dbSNP rs767245071, ClinGen allele CA212989.

ClinVar aggregate classification (germline): Pathogenic. Review status: criteria provided, multiple submitters, no conflicts (2 of 4 stars). 8 submissions from 7 submitters: Pathogenic (4). 4 of the submissions do not count toward it. Last evaluated 2025-08-25.

Conditions:
Mitochondrial neurogastrointestinal encephalomyopathy. Also called: Mitochondrial neurogastrointestinal encephalopathy syndrome; MNGIE syndrome; Thymidine phosphorylase deficiency. Identifiers: Orphanet 298, MedGen C0872218, MONDO:0017575.
Mitochondrial DNA depletion syndrome 1. Also called: Mitochondrial neurogastrointestinal encephalomyopathy syndrome; Mitochondrial DNA depletion syndrome 1 (MNGIE type); Mitochondrial DNA Depletion Syndrome, MNGIE Form; POLIP SYNDROME; POLYNEUROPATHY, OPHTHALMOPLEGIA, LEUKOENCEPHALOPATHY, AND INTESTINAL PSEUDOOBSTRUCTION; Mitochondrial Neurogastrointestinal Encephalopathy Disease. Identifiers: Orphanet 298, MedGen C4551995, MONDO:0011283, OMIM 603041.

Allele frequency attached by ClinVar (database versions not stated): gnomAD 0.00004; ExAC 0.00001; gnomAD exomes 0.00002 and 0.00001; TOPMed 0.00003.
gnomAD v4.1: 36 of 1,613,052 alleles (0.0022%); highest among the groups gnomAD compares: African/African-American, 0.004%; no homozygotes.

Submissions (8):

Natera, Inc.
Classification: Pathogenic for Mitochondrial neurogastrointestinal encephalomyopathy. Last evaluated: 2025-08-25. Review status: criteria provided, single submitter. Criteria: Natera Variant Classification Schema (03/2026). Collection method: clinical testing. Allele origin: germline.
Comment: The c.215-1G>C variant in TYMP is a canonical splice acceptor site variant predicted to affect pre-mRNA splicing, which may result in an abnormal transcript and altered protein product. This variant is expected to result in nonsense mediated decay, truncation, or a dysfunctional protein product. This variant is rare in the general population with a frequency below the threshold expected for the associated phenotype(s). This variant has been observed in one or more individuals affected with the associated recessive disease, as either homozygous or compound heterozygous with a second variant (PMID: 20232099, 14757860). Given the available evidence, this variant is classified as Pathogenic.

Myriad Genetics, Inc.
Classification: Pathogenic for Mitochondrial DNA depletion syndrome 1. Last evaluated: 2025-02-20. Review status: criteria provided, single submitter. Criteria: Myriad Autosomal Dominant, Autosomal Recessive and X-Linked Classification Criteria (2023). Collection method: clinical testing. Allele origin: unknown.
Comment: NM_001257989.1(TYMP):c.215-1G>C is a variant in a canonical splice site classified as pathogenic in the context of mitochondrial neurogastrointestinal encephalopathy disease. c.215-1G>C has been observed in cases with relevant disease (PMID: 14720311, 20232099, 14757860). Relevant functional assessments of this variant are not available in the literature. c.215-1G>C has been observed in referenced population frequency databases. In summary, NM_001257989.1(TYMP):c.215-1G>C is a variant in a canonical splice site in a gene where loss of function is a known mechanism of disease, is predicted to disrupt protein function, and has been observed more frequently in cases with the relevant disease than in healthy populations. Please note: this variant was assessed in the context of healthy population screening.

Labcorp Genetics (formerly Invitae), Labcorp
Classification: Pathogenic. Last evaluated: 2024-10-17. Review status: criteria provided, single submitter. Criteria: Invitae Variant Classification Sherloc (09022015). Collection method: clinical testing. Allele origin: germline.
Comment: This sequence change affects an acceptor splice site in intron 2 of the TYMP gene. It is expected to disrupt RNA splicing. Variants that disrupt the donor or acceptor splice site typically lead to a loss of protein function (PMID: 16199547), and loss-of-function variants in TYMP are known to be pathogenic (PMID: 9924029, 15781193). The frequency data for this variant in the population databases is considered unreliable, as metrics indicate poor data quality at this position in the gnomAD database. Disruption of this splice site has been observed in individuals with TYMP-related conditions (PMID: 14720311, 14757860, 20232099). ClinVar contains an entry for this variant (Variation ID: 16662). Algorithms developed to predict the effect of sequence changes on RNA splicing suggest that this variant may disrupt the consensus splice site. For these reasons, this variant has been classified as Pathogenic.

GeneDx
Classification: Pathogenic. Last evaluated: 2024-01-29. Review status: criteria provided, single submitter. Criteria: GeneDx Variant Classification Process June 2021. Collection method: clinical testing. Allele origin: germline. Affected: yes.
Comment: Canonical splice site variant predicted to result in an in-frame loss of the adjacent exon in a gene for which loss of function is a known mechanism of disease; Not observed at significant frequency in large population cohorts (gnomAD); This variant is associated with the following publications: (PMID: 16971699, 14720311, 20232099, 14757860, 21451581, 32173240, 33159497)

Counsyl
Classification: Pathogenic for Mitochondrial DNA depletion syndrome 1. Last evaluated: 2018-05-01. Review status: no assertion criteria provided. Collection method: clinical testing. Allele origin: unknown. Not counted in ClinVar's aggregate classification.

GeneReviews
Classification: Pathogenic for Mitochondrial DNA depletion syndrome 1. Last evaluated: 2016-01-14. Review status: no assertion criteria provided. Collection method: literature only. Allele origin: germline. Affected: yes. Not counted in ClinVar's aggregate classification.

OMIM
Classification: Pathogenic for MITOCHONDRIAL DNA DEPLETION SYNDROME 1 (MNGIE TYPE). Last evaluated: 2004-02-01. Review status: no assertion criteria provided. Collection method: literature only. Allele origin: germline. Not counted in ClinVar's aggregate classification.

GeneReviews
Classification: Pathogenic for Mitochondrial DNA depletion syndrome 1. Last evaluated: 2016-01-14. Review status: flagged submission. Collection method: literature only. Allele origin: germline. Affected: yes. Not counted in ClinVar's aggregate classification.
ClinVar note: Reason: This record appears to be redundant with a more recent record from the same submitter.
ClinVar note: Notes: SCV000264541 appears to be redundant with SCV000264542.

Literature cited by the submitters: PubMed 20232099 (cited by 4 submitters); PubMed 14757860 (cited by 6 submitters); PubMed 14720311 (cited by 4 submitters); PubMed 16199547 (cited by Labcorp Genetics (formerly Invitae), Labcorp); PubMed 9924029 (cited by Labcorp Genetics (formerly Invitae), Labcorp); PubMed 15781193 (cited by Labcorp Genetics (formerly Invitae), Labcorp).